The following is an entry in ClinVar:

ClinVar aggregate classification (germline): Uncertain significance (1 of 4 stars; one submission).

Conditions:
Inborn genetic diseases. Identifiers: MedGen C0950123, MeSH D030342.

Submission:

Ambry Genetics
Classification: Uncertain significance for Inborn genetic diseases. Last evaluated: 2025-05-21. Review status: criteria provided, single submitter. Criteria: Ambry Variant Classification Scheme 2023. Collection method: clinical testing. Allele origin: germline.
Comment: The p.G437V variant (also known as c.1310G>T), located in coding exon 8 of the MECOM gene, results from a G to T substitution at nucleotide position 1310. The glycine at codon 437 is replaced by valine, an amino acid with dissimilar properties. This amino acid position is conserved. In addition, the in silico prediction for this alteration is inconclusive. Based on the available evidence, the clinical significance of this variant remains unclear.

NM_004991.4(MECOM):c.1310G>T (p.Gly437Val)

Gene: MECOM (MDS1 and EVI1 complex locus; minus strand). Cytogenetic location: 3q26.2.
Variant type: single nucleotide variant.
Coding change: c.1310G>T on transcript NM_004991.4 (MANE Select); coding-DNA position 1310, G replaced by T.
Protein change: p.Gly437Val; replaces glycine 437 with valine.
Molecular consequence: missense variant. On other transcripts: intron variant (2).
Genome position (GRCh38, 1-based): chr3:169,116,562, C>A on the plus strand (G>T on the coding strand, the complement: MECOM is on the minus strand). VCF-style: chr3-169116562-C-A. GRCh37 (hg19) VCF-style: chr3-168834350-C-A.
Other names: c.941G>T, p.Gly314Val (NM_001105077.4); c.746G>T, p.Gly249Val (NM_001105078.4, NM_001164000.2, NM_001205194.2 and 4 more transcripts); c.749G>T, p.Gly250Val (NM_001163999.2, NM_001366467.2, NM_001366468.2 and 1 more transcripts); c.1310G>T, p.Gly437Val (NM_001366466.2); c.1133-795G>T (NM_001366473.2); c.569-795G>T (NM_001366474.2); short protein forms G250V, G437V, G249V, G314V.
Identifiers: ClinVar variation 4053281 (VCV004053281.1).